The following is an entry in ClinVar:

NM_000094.4(COL7A1):c.2569T>G (p.Ser857Ala)

Gene: COL7A1 (collagen type VII alpha 1 chain; minus strand). Cytogenetic location: 3p21.31.
Variant type: single nucleotide variant.
Coding change: c.2569T>G on transcript NM_000094.4 (MANE Select); coding-DNA position 2569, T replaced by G.
Protein change: p.Ser857Ala; replaces serine 857 with alanine.
Molecular consequence: missense variant.
Genome position (GRCh38, 1-based): chr3:48,588,660, A>C on the plus strand (T>G on the coding strand, the complement: COL7A1 is on the minus strand). VCF-style: chr3-48588660-A-C. GRCh37 (hg19) VCF-style: chr3-48626093-A-C.
Other names: short protein forms S857A.
Identifiers: ClinVar variation 1960550 (VCV001960550.2), dbSNP rs2531258150, ClinGen allele CA352718459.
Genomic context (GRCh38, chr3:48,588,660, plus strand): 5'-CACACCACCCATCCGAAGCTCTCCAGCGCATGCTCTGCCTACGCGTAGTGACAACAATGG[A>C]GACAGGTGTGCCCTCGCGGTCCCCGACAAGTGCAGTCACTCGCACTGAGTAGCTGACTCC-3'
Protein context (NP_000085.1, residues 847-867): LVGDREGTPV[Ser857Ala]IVVTTPPEAP

ClinVar aggregate classification (germline): Uncertain significance (1 of 4 stars; one submission).

Submission:

Labcorp Genetics (formerly Invitae), Labcorp
Classification: Uncertain significance. Last evaluated: 2022-02-20. Review status: criteria provided, single submitter. Criteria: Invitae Variant Classification Sherloc (09022015). Collection method: clinical testing. Allele origin: germline.
Comment: This sequence change replaces serine, which is neutral and polar, with alanine, which is neutral and non-polar, at codon 857 of the COL7A1 protein (p.Ser857Ala). This variant is not present in population databases (gnomAD no frequency). This variant has not been reported in the literature in individuals affected with COL7A1-related conditions. Advanced modeling of protein sequence and biophysical properties (such as structural, functional, and spatial information, amino acid conservation, physicochemical variation, residue mobility, and thermodynamic stability) performed at Invitae indicates that this missense variant is not expected to disrupt COL7A1 protein function. In summary, the available evidence is currently insufficient to determine the role of this variant in disease. Therefore, it has been classified as a Variant of Uncertain Significance.